The following is an entry in ClinVar:

ClinVar aggregate classification (germline): Uncertain significance (1 of 4 stars; one submission).

Conditions:
Candidiasis, familial, 9 (CANDF9). Identifiers: Orphanet 1334, MedGen C4225324, MONDO:0014642, OMIM 616445.

Allele frequency attached by ClinVar (database versions not stated): gnomAD exomes below 0.00001.
gnomAD v4.1: 3 of 1,612,530 alleles (0.00019%); highest among the groups gnomAD compares: Non-Finnish European, 0.00017%; no homozygotes.

Submission:

Labcorp Genetics (formerly Invitae), Labcorp
Classification: Uncertain significance for Candidiasis, familial, 9. Last evaluated: 2023-05-23. Review status: criteria provided, single submitter. Criteria: Invitae Variant Classification Sherloc (09022015). Collection method: clinical testing. Allele origin: germline.
Comment: In summary, the available evidence is currently insufficient to determine the role of this variant in disease. Therefore, it has been classified as a Variant of Uncertain Significance. An algorithm developed to predict the effect of missense changes on protein structure and function (PolyPhen-2) suggests that this variant is likely to be tolerated. This variant has not been reported in the literature in individuals affected with IL17RC-related conditions. The frequency data for this variant in the population databases is considered unreliable, as metrics indicate poor data quality at this position in the gnomAD database. This sequence change replaces glutamic acid, which is acidic and polar, with aspartic acid, which is acidic and polar, at codon 753 of the IL17RC protein (p.Glu753Asp).

NM_153460.4(IL17RC):c.2046G>T (p.Glu682Asp)

Genes: IL17RC (interleukin 17 receptor C; plus strand), LOC129936144 (ATAC-STARR-seq lymphoblastoid silent region 14051; plus strand). Cytogenetic location: 3p25.3.
Variant type: single nucleotide variant.
Coding change: c.2046G>T on transcript NM_153460.4 (MANE Select); coding-DNA position 2046, G replaced by T.
Protein change: p.Glu682Asp; replaces glutamic acid 682 with aspartic acid.
Molecular consequence: missense variant. On other transcripts: non-coding transcript variant (1).
Genome position (GRCh38, 1-based): chr3:9,933,476, G>T. VCF-style: chr3-9933476-G-T. GRCh37 (hg19) VCF-style: chr3-9975160-G-T.
Other names: c.2007G>T, p.Glu669Asp (NM_001203263.2); c.1956G>T, p.Glu652Asp (NM_001203264.2); c.1950G>T, p.Glu650Asp (NM_001203265.2); c.1968G>T, p.Glu656Asp (NM_001367278.1); c.1887G>T, p.Glu629Asp (NM_001367279.1); c.1962G>T, p.Glu654Asp (NM_001367280.1); c.1911G>T, p.Glu637Asp (NM_001410711.1); c.2001G>T, p.Glu667Asp (NM_032732.6); and 1 more; short protein forms E656D, E669D, E682D, E652D, E654D, E667D, E629D, E637D.
Identifiers: ClinVar variation 2805698 (VCV002805698.3), dbSNP rs1200179885, ClinGen allele CA351709408.
Genomic context (GRCh38, chr3:9,933,476, plus strand): 5'-CCTGGGGGCCCTGCAGCAGCCTCGCGCCCCGCGTTCCGGGCGGCTCCAAGAGAGAGCGGA[G>T]CAAGTGTCCCGGGCCCTTCAGCCAGCCCTGGATAGCTACTTCCATCCCCCGGGGACTCCC-3'
Protein context (NP_703190.2, residues 672-692): PRSGRLQERA[Glu682Asp]QVSRALQPAL